The following is an entry in ClinVar:

ClinVar aggregate classification (germline): Benign/Likely benign. Review status: criteria provided, multiple submitters, no conflicts (2 of 4 stars). 11 submissions from 8 submitters: Benign (5); Likely benign (6). Last evaluated 2026-05-08.

Conditions:
Dilated cardiomyopathy 1G (CMD1G). Identifiers: Orphanet 154, MedGen C1858763, MONDO:0011400, OMIM 604145.
Autosomal recessive limb-girdle muscular dystrophy type 2J (LGMDR10). Also called: MUSCULAR DYSTROPHY, LIMB-GIRDLE, AUTOSOMAL RECESSIVE 10; Limb-girdle muscular dystrophy, type 2J. Identifiers: Orphanet 140922, MedGen C1837342, MONDO:0012127, OMIM 608807.
Cardiovascular phenotype. Identifiers: MedGen CN230736.
Tibial muscular dystrophy (TMD). Also called: Udd Distal Myopathy – Tibial Muscular Dystrophy; Tibial muscular dystrophy, tardive; UDD MYOPATHY. Identifiers: Orphanet 609, MedGen C1838244, MONDO:0010870, OMIM 600334.
Myopathy, myofibrillar, 9, with early respiratory failure (MFM9). Also called: Hereditary myopathy with early respiratory failure; EDSTROM MYOPATHY; Myopathy, distal, with early respiratory failure, autosomal dominant; MYOPATHY, PROXIMAL, WITH EARLY RESPIRATORY MUSCLE INVOLVEMENT. Identifiers: Orphanet 178464, Orphanet 34521, MedGen C1863599, MONDO:0011362, OMIM 603689.
Early-onset myopathy with fatal cardiomyopathy (CMYO5). Also called: CONGENITAL MYOPATHY 5 WITH CARDIOMYOPATHY; Salih Myopathy. Identifiers: Orphanet 289377, MedGen C2673677, MONDO:0012714, OMIM 611705. Disease mechanism: loss of function.
Hypertrophic cardiomyopathy 9. Also called: Familial hypertrophic cardiomyopathy 9. Identifiers: MedGen C1861065, MONDO:0013412, OMIM 613765.

Allele frequency attached by ClinVar (database versions not stated): gnomAD exomes 0.00010 and 0.00015; ExAC 0.00027; TOPMed 0.00004; gnomAD 0.00005.
gnomAD v4.1: 147 of 1,612,944 alleles (0.0091%); highest among the groups gnomAD compares: Non-Finnish European, 0.011%; no homozygotes.

Submissions (11):

Women's Health and Genetics/Laboratory Corporation of America, LabCorp
Classification: Likely benign. Last evaluated: 2026-05-08. Review status: criteria provided, single submitter. Criteria: LabCorp Variant Classification Summary - May 2015. Collection method: clinical testing. Allele origin: germline.

Labcorp Genetics (formerly Invitae), Labcorp
Classification: Likely benign for Dilated cardiomyopathy 1G; Autosomal recessive limb-girdle muscular dystrophy type 2J. Last evaluated: 2025-10-29. Review status: criteria provided, single submitter. Criteria: Invitae Variant Classification Sherloc (09022015). Collection method: clinical testing. Allele origin: germline.

Blueprint Genetics
Classification: Likely benign. Last evaluated: 2023-11-13. Review status: criteria provided, single submitter. Criteria: ACMG Guidelines, 2015. Collection method: clinical testing. Allele origin: germline.

Ambry Genetics
Classification: Likely benign for Cardiovascular phenotype. Last evaluated: 2022-03-04. Review status: criteria provided, single submitter. Criteria: Ambry Variant Classification Scheme 2023. Collection method: clinical testing. Allele origin: germline.

Fulgent Genetics
Classification: Likely benign for Tibial muscular dystrophy; Myopathy, myofibrillar, 9, with early respiratory failure; Dilated cardiomyopathy 1G; Autosomal recessive limb-girdle muscular dystrophy type 2J; Early-onset myopathy with fatal cardiomyopathy; Hypertrophic cardiomyopathy 9. Last evaluated: 2021-09-30. Review status: criteria provided, single submitter. Criteria: ACMG Guidelines, 2015. Collection method: clinical testing. Allele origin: unknown.

Genome-Nilou Lab
Classification: Benign for Autosomal recessive limb-girdle muscular dystrophy type 2J. Last evaluated: 2021-09-10. Review status: criteria provided, single submitter. Criteria: ACMG Guidelines, 2015. Collection method: clinical testing. Allele origin: germline. Affected: no.

Genome-Nilou Lab
Classification: Benign for Myopathy, myofibrillar, 9, with early respiratory failure. Last evaluated: 2021-09-10. Review status: criteria provided, single submitter. Criteria: ACMG Guidelines, 2015. Collection method: clinical testing. Allele origin: germline. Affected: no.

Genome-Nilou Lab
Classification: Benign for Early-onset myopathy with fatal cardiomyopathy. Last evaluated: 2021-09-10. Review status: criteria provided, single submitter. Criteria: ACMG Guidelines, 2015. Collection method: clinical testing. Allele origin: germline. Affected: no.

Genome-Nilou Lab
Classification: Benign for Tibial muscular dystrophy. Last evaluated: 2021-09-10. Review status: criteria provided, single submitter. Criteria: ACMG Guidelines, 2015. Collection method: clinical testing. Allele origin: germline. Affected: no.

Genetic Services Laboratory, University of Chicago
Classification: Likely benign. Last evaluated: 2016-12-23. Review status: criteria provided, single submitter. Criteria: ACMG Guidelines, 2015. Collection method: clinical testing. Allele origin: germline. Affected: no.

GeneDx
Classification: Benign. Last evaluated: 2014-12-02. Review status: criteria provided, single submitter. Criteria: GeneDx Variant Classification (06012015). Collection method: clinical testing. Allele origin: germline. Affected: yes.
Comment: This variant is considered likely benign or benign based on one or more of the following criteria: it is a conservative change, it occurs at a poorly conserved position in the protein, it is predicted to be benign by multiple in silico algorithms, and/or has population frequency not consistent with disease.

NM_001267550.2(TTN):c.55932T>C (p.Phe18644=)

Genes: TTN (titin; minus strand), TTN-AS1 (TTN antisense RNA 1; plus strand). Cytogenetic location: 2q31.2.
Variant type: single nucleotide variant.
Coding change: c.55932T>C on transcript NM_001267550.2 (MANE Select); coding-DNA position 55932, T replaced by C.
Protein change: p.Phe18644=; no amino-acid change (phenylalanine 18644 retained).
Molecular consequence: synonymous variant.
Genome position (GRCh38, 1-based): chr2:178,600,972, A>G on the plus strand (T>C on the coding strand, the complement: TTN is on the minus strand). VCF-style: chr2-178600972-A-G. GRCh37 (hg19) VCF-style: chr2-179465699-A-G.
Other names: p.F17003F:TTT>TTC; c.51009T>C, p.Phe17003= (NM_001256850.1); c.28737T>C, p.Phe9579= (NM_003319.4); c.48228T>C, p.Phe16076= (NM_133378.4); c.29112T>C, p.Phe9704= (NM_133432.3); c.29313T>C, p.Phe9771= (NM_133437.4).
Identifiers: ClinVar variation 202276 (VCV000202276.24), dbSNP rs755839294, ClinGen allele CA308956.